The following is an entry in ClinVar:

NM_000261.2(MYOC):c.1196G>A (p.Gly399Asp)

Gene: MYOC (myocilin; minus strand). Cytogenetic location: 1q24.3.
Variant type: single nucleotide variant.
Coding change: c.1196G>A on transcript NM_000261.2 (MANE Select); coding-DNA position 1196, G replaced by A.
Protein change: p.Gly399Asp; replaces glycine 399 with aspartic acid.
Molecular consequence: missense variant.
Genome position (GRCh38, 1-based): chr1:171,636,244, C>T on the plus strand (G>A on the coding strand, the complement: MYOC is on the minus strand). VCF-style: chr1-171636244-C-T. GRCh37 (hg19) VCF-style: chr1-171605384-C-T.
Other names: NM_000261.2:c.1196G>A; short protein forms G399D.
Identifiers: ClinVar variation 2429756 (VCV002429756.1), dbSNP rs28936694, ClinGen allele CA343724341.
Genomic context (GRCh38, chr1:171,636,244, plus strand): 5'-GTCTCCCAGGTTTGTTCGAGTTCCAGATTCTCTGGGTTCAGTTTGGAGAGGACAATGGCA[C>T]CTTTGGCCTCATCGGTGCTGTAAATGACCCAGAGGCCTGCTTCATCCACAGCCAAGTCAA-3'
Protein context (NP_000252.1, residues 389-409): WVIYSTDEAK[Gly399Asp]AIVLSKLNPE

ClinVar aggregate classification (germline): Uncertain significance (3 of 4 stars; one submission).

Conditions:
Open-angle glaucoma. Identifiers: MedGen C0017612, MONDO:0005338, HP:0012108.

gnomAD v4.1: 1 of 1,614,146 alleles (0.000062%); no homozygotes.

Submission:

ClinGen Glaucoma Variant Curation Expert Panel
Classification: Uncertain significance for Open-angle glaucoma. Last evaluated: 2026-01-12. Review status: reviewed by expert panel. Criteria: ClinGen Glaucoma ACMG Specifications V2.0.0 Approved. Collection method: curation. Allele origin: germline. Inheritance: Autosomal dominant inheritance.
Comment: The c.1196G>A variant in MYOC is a missense variant predicted to cause substitution of Glycine by Aspartic Acid at amino acid 399 (p.Gly399Asp). The highest minor allele frequency of this variant was in the Remaining genetic ancestry group of gnomAD (v4.1.0) = 0.000016 (1 allele out of 62,506), which met the ≤ 0.0001 threshold set for PM2_Supporting in a genetic ancestry group of at least 10,000 alleles. The REVEL score = 0.953, which met the ≥ 0.932 threshold for PP3_Strong, predicting a damaging effect on MYOC function. There was no functional evidence predicting a damaging or benign impact of this variant on MYOC function. Only 1 proband with juvenile open angle glaucoma had been reported (PMID: 17562996), not meeting the ≥ 2 probands threshold required to meet PS4_Supporting. In summary, this variant met the criteria to receive a score of 5 and to be classified as a variant of uncertain significance (uncertain significance classification range -1 to 5, adapted from PMID: 32720330) for juvenile open angle glaucoma based on the ACMG/AMP criteria met, as specified by the ClinGen Glaucoma VCEP (v2.0.0, 5 Dec 2024): PP3_Strong, PM2_Supporting